The following is an entry in ClinVar:

NM_006947.4(SRP72):c.1790A>G (p.Gln597Arg)

Gene: SRP72 (signal recognition particle 72; plus strand). Cytogenetic location: 4q12.
Variant type: single nucleotide variant.
Coding change: c.1790A>G on transcript NM_006947.4 (MANE Select); coding-DNA position 1790, A replaced by G.
Protein change: p.Gln597Arg; replaces glutamine 597 with arginine.
Molecular consequence: missense variant. On other transcripts: non-coding transcript variant (1).
Genome position (GRCh38, 1-based): chr4:56,500,647, A>G. VCF-style: chr4-56500647-A-G. GRCh37 (hg19) VCF-style: chr4-57366813-A-G.
Other names: c.1607A>G, p.Gln536Arg (NM_001267722.2); short protein forms Q597R, Q536R.
Identifiers: ClinVar variation 4844210 (VCV004844210.1).

ClinVar aggregate classification (germline): Uncertain significance (1 of 4 stars; one submission).

gnomAD v4.1: 12 of 1,613,846 alleles (0.00074%); no homozygotes.

Submission:

Ambry Genetics
Classification: Uncertain significance. Last evaluated: 2026-02-14. Review status: criteria provided, single submitter. Criteria: Ambry Variant Classification Scheme 2023. Collection method: clinical testing. Allele origin: germline.
Comment: The p.Q597R variant (also known as c.1790A>G), located in coding exon 18 of the SRP72 gene, results from an A to G substitution at nucleotide position 1790. The glutamine at codon 597 is replaced by arginine, an amino acid with highly similar properties. This amino acid position is conserved. In addition, the in silico prediction for this alteration is inconclusive. Based on the available evidence, the clinical significance of this variant remains unclear.